The following is an entry in ClinVar:

ClinVar aggregate classification (germline): Benign. Review status: criteria provided, single submitter (1 of 4 stars). 2 submissions from 2 submitters: Benign (1). 1 of the submissions does not count toward it. Last evaluated 2019-12-31.

Conditions:
GABRA3-related disorder. Also called: GABRA3-related condition.

Allele frequency attached by ClinVar (database versions not stated): 1000 Genomes Project 30x 0.00250; 1000 Genomes Project 0.00265; TOPMed 0.00351; gnomAD 0.00504; ESP Exome Variant Server 0.00530; ExAC 0.00554; gnomAD exomes 0.00588 and 0.00617.
gnomAD v4.1: 7,085 of 1,182,383 alleles (0.6%); highest among the groups gnomAD compares: Non-Finnish European, 0.66%; 20 homozygotes.

Submissions (2):

Labcorp Genetics (formerly Invitae), Labcorp
Classification: Benign. Last evaluated: 2019-12-31. Review status: criteria provided, single submitter. Criteria: Invitae Variant Classification Sherloc (09022015). Collection method: clinical testing. Allele origin: germline.

PreventionGenetics, part of Exact Sciences
Classification: Likely benign for GABRA3-related condition. Last evaluated: 2019-11-11. Review status: no assertion criteria provided. Collection method: clinical testing. Allele origin: germline. Not counted in ClinVar's aggregate classification.
Comment: This variant is classified as likely benign based on ACMG/AMP sequence variant interpretation guidelines (Richards et al. 2015 PMID: 25741868, with internal and published modifications).

NM_000808.4(GABRA3):c.1143+7T>C

Gene: GABRA3 (gamma-aminobutyric acid type A receptor subunit alpha3; minus strand). Cytogenetic location: Xq28.
Variant type: single nucleotide variant.
Coding change: c.1143+7T>C on transcript NM_000808.4 (MANE Select); 7 bases into the intron after coding-DNA position 1143, T replaced by C.
Molecular consequence: intron variant.
Genome position (GRCh38, 1-based): chrX:152,189,723, A>G on the plus strand (T>C on the coding strand, the complement: GABRA3 is on the minus strand). VCF-style: chrX-152189723-A-G. GRCh37 (hg19) VCF-style: chrX-151358195-A-G.
Identifiers: ClinVar variation 713930 (VCV000713930.6), dbSNP rs140051848, ClinGen allele CA10543088.
Genomic context (GRCh38, chrX:152,189,723, plus strand): 5'-GCCCACTCCTGGTCCCAATACAGGTCTCTCGGGGGTGCTTCTCAGTTTCTCTTTTGCTAT[A>G]TCTCACCTTCATCTCCAGGGCCTCTGGCACCTTCTTGCCTTCCCAAGCCCAACTCCGCTT-3'